The following is an entry in ClinVar:

ClinVar aggregate classification (germline): Likely benign (1 of 4 stars; one submission).

gnomAD v4.1: 2 of 1,613,990 alleles (0.00012%); highest among the groups gnomAD compares: African/African-American, 0.0027%; no homozygotes.

Submission:

CeGaT Center for Human Genetics Tuebingen
Classification: Likely benign. Last evaluated: 2026-02-01. Review status: criteria provided, single submitter. Criteria: CeGaT Center For Human Genetics Tuebingen Variant Classification Criteria Version 2. Collection method: clinical testing. Allele origin: germline. Affected: yes. Observed: 1 variant allele.
Comment: BPTF: BP4, BP7

NM_182641.4(BPTF):c.2166T>C (p.Tyr722=)

Gene: BPTF (bromodomain PHD finger transcription factor; plus strand). Cytogenetic location: 17q24.2.
Variant type: single nucleotide variant.
Coding change: c.2166T>C on transcript NM_182641.4 (MANE Select); coding-DNA position 2166, T replaced by C.
Protein change: p.Tyr722=; no amino-acid change (tyrosine 722 retained).
Molecular consequence: synonymous variant.
Genome position (GRCh38, 1-based): chr17:67,893,480, T>C. VCF-style: chr17-67893480-T-C. GRCh37 (hg19) VCF-style: chr17-65889596-T-C.
Other names: c.2355T>C, p.Tyr785= (NM_001439139.1, NM_001439141.1, NM_001439143.1 and 1 more transcripts); c.2544T>C, p.Tyr848= (NM_001439140.1, NM_001439142.1, NM_004459.7).
Identifiers: ClinVar variation 4823258 (VCV004823258.4).